The following is an entry in ClinVar:

NM_000059.4(BRCA2):c.3462C>G (p.Thr1154=)

Gene: BRCA2 (BRCA2 DNA repair associated; plus strand). Cytogenetic location: 13q13.1.
Variant type: single nucleotide variant.
Coding change: c.3462C>G on transcript NM_000059.4 (MANE Select); coding-DNA position 3462, C replaced by G.
Protein change: p.Thr1154=; no amino-acid change (threonine 1154 retained).
Molecular consequence: synonymous variant.
Genome position (GRCh38, 1-based): chr13:32,337,817, C>G. VCF-style: chr13-32337817-C-G. GRCh37 (hg19) VCF-style: chr13-32911954-C-G.
Identifiers: ClinVar variation 186024 (VCV000186024.23), dbSNP rs4986856, ClinGen allele CA018119.

ClinVar aggregate classification (germline): Likely benign. Review status: reviewed by expert panel (3 of 4 stars). 7 submissions from 7 submitters: Likely benign (1). 6 of the submissions do not count toward it. Last evaluated 2017-06-29.

Conditions:
Hereditary breast ovarian cancer syndrome. Also called: Hereditary breast and ovarian cancer; Hereditary breast and ovarian cancer syndrome; Breast and ovarian cancer; Hereditary breast and ovarian cancer syndrome (HBOC); Hereditary breast and/or ovarian cancer syndrome; BRCA1- and BRCA2-Associated Hereditary Breast and Ovarian Cancer. Identifiers: Orphanet 145, MedGen C0677776, MeSH D061325, MONDO:0003582. Disease mechanism: loss of function.
Hereditary cancer-predisposing syndrome. Also called: Hereditary Cancer Syndrome; Neoplastic Syndromes, Hereditary; Tumor predisposition; Hereditary neoplastic syndrome. Identifiers: Orphanet 140162, MedGen C0027672, MeSH D009386, MONDO:0015356.
BRCA2-related disorder. Also called: BRCA2-related condition; BRCA2-related disorders. Identifiers: MedGen CN239275.
Breast-ovarian cancer, familial, susceptibility to, 2 (BROVCA2). Also called: BRCA2 Hereditary Breast and Ovarian Cancer. Identifiers: Orphanet 145, MedGen C2675520, MONDO:0012933, OMIM 612555. Disease mechanism: loss of function.

Allele frequency attached by ClinVar (database versions not stated): TOPMed 0.00001.

Submissions (7):

Evidence-based Network for the Interpretation of Germline Mutant Alleles (ENIGMA)
Classification: Likely benign for Breast-ovarian cancer, familial, susceptibility to, 2. Last evaluated: 2017-06-29. Review status: reviewed by expert panel. Criteria: ENIGMA BRCA1/2 Classification Criteria (2017-06-29). Collection method: curation. Allele origin: germline.
Comment: Synonymous substitution variant, with low bioinformatic likelihood to result in a splicing aberration (Splicing prior probability 0.02).

Labcorp Genetics (formerly Invitae), Labcorp
Classification: Likely benign for Hereditary breast ovarian cancer syndrome. Last evaluated: 2026-01-01. Review status: criteria provided, single submitter. Criteria: Invitae Variant Classification Sherloc (09022015). Collection method: clinical testing. Allele origin: germline. Not counted in ClinVar's aggregate classification.

Color Diagnostics, LLC DBA Color Health
Classification: Likely benign for Hereditary cancer-predisposing syndrome. Last evaluated: 2024-03-24. Review status: criteria provided, single submitter. Criteria: ACMG Guidelines, 2015. Collection method: clinical testing. Allele origin: germline. Not counted in ClinVar's aggregate classification.

Quest Diagnostics Nichols Institute San Juan Capistrano
Classification: Likely benign. Last evaluated: 2023-07-19. Review status: criteria provided, single submitter. Criteria: Quest Diagnostics criteria. Collection method: clinical testing. Allele origin: unknown. Not counted in ClinVar's aggregate classification.

Women's Health and Genetics/Laboratory Corporation of America, LabCorp
Classification: Likely benign. Last evaluated: 2021-10-08. Review status: criteria provided, single submitter. Criteria: LabCorp Variant Classification Summary - May 2015. Collection method: clinical testing. Allele origin: germline. Not counted in ClinVar's aggregate classification.

Ambry Genetics
Classification: Likely benign for Hereditary cancer-predisposing syndrome. Last evaluated: 2014-09-04. Review status: criteria provided, single submitter. Criteria: Ambry Variant Classification Scheme 2023. Collection method: clinical testing. Allele origin: germline. Not counted in ClinVar's aggregate classification.

PreventionGenetics, part of Exact Sciences
Classification: Likely benign for BRCA2-related condition. Last evaluated: 2022-01-06. Review status: no assertion criteria provided. Collection method: clinical testing. Allele origin: germline. Not counted in ClinVar's aggregate classification.
Comment: This variant is classified as likely benign based on ACMG/AMP sequence variant interpretation guidelines (Richards et al. 2015 PMID: 25741868, with internal and published modifications).

Literature cited by the submitters: PubMed 17100994 (cited by Quest Diagnostics Nichols Institute San Juan Capistrano); PubMed 19471317 (cited by Quest Diagnostics Nichols Institute San Juan Capistrano); PubMed 16949048 (cited by Quest Diagnostics Nichols Institute San Juan Capistrano); PubMed 31214711 (cited by Quest Diagnostics Nichols Institute San Juan Capistrano); PubMed 30702160 (cited by Quest Diagnostics Nichols Institute San Juan Capistrano); PubMed 32486089 (cited by Quest Diagnostics Nichols Institute San Juan Capistrano); PubMed 28392550 (cited by Quest Diagnostics Nichols Institute San Juan Capistrano); PubMed 28288110 (cited by Quest Diagnostics Nichols Institute San Juan Capistrano).